The following is an entry in ClinVar:

ClinVar aggregate classification (germline): Pathogenic/Likely pathogenic. Review status: criteria provided, multiple submitters, no conflicts (2 of 4 stars). 7 submissions from 7 submitters: Pathogenic (6); Likely pathogenic (1). Last evaluated 2025-12-16.

Conditions:
Glycogen storage disease, type IV (GSD4). Also called: GBE1 DEFICIENCY; GLYCOGEN BRANCHING ENZYME DEFICIENCY; GLYCOGENOSIS IV; GSD IV; AMYLOPECTINOSIS; ANDERSEN DISEASE. Identifiers: Orphanet 367, MedGen C0017923, MONDO:0009292, OMIM 232500.
Glycogen storage disease IV, classic hepatic. Also called: GSD IV, CLASSIC HEPATIC. Identifiers: MedGen C1856301.

Allele frequency attached by ClinVar (database versions not stated): gnomAD 0.00001 and 0.00002; TOPMed 0.00002; ExAC 0.00019; gnomAD exomes 0.00005 and 0.00012.

Submissions (7):

Labcorp Genetics (formerly Invitae), Labcorp
Classification: Pathogenic for Glycogen storage disease, type IV; Glycogen storage disease IV, classic hepatic. Last evaluated: 2025-12-16. Review status: criteria provided, single submitter. Criteria: Invitae Variant Classification Sherloc (09022015). Collection method: clinical testing. Allele origin: germline.
Comment: This sequence change creates a premature translational stop signal (p.Leu490Trpfs*5) in the GBE1 gene. It is expected to result in an absent or disrupted protein product. Loss-of-function variants in GBE1 are known to be pathogenic (PMID: 15452297, 20058079). This variant is present in population databases (rs774465102, gnomAD 0.07%). This premature translational stop signal has been observed in individuals with glycogen storage disease IV (PMID: 15019703, 15520786, 30311141). ClinVar contains an entry for this variant (Variation ID: 449406). For these reasons, this variant has been classified as Pathogenic.

Natera, Inc.
Classification: Pathogenic for Glycogen storage disease type IV. Last evaluated: 2025-07-12. Review status: criteria provided, single submitter. Criteria: Natera Variant Classification Schema (03/2026). Collection method: clinical testing. Allele origin: germline.
Comment: The c.1468delC variant in GBE1 is a frameshift variant predicted to shift the reading frame beginning at codon 490 and leads to a stop codon 5 codons downstream. This variant is expected to result in nonsense mediated decay, truncation, or a dysfunctional protein product. This variant is rare in the general population with a frequency below the threshold expected for the associated phenotype(s). This variant has been observed in one or more individuals affected with the associated recessive disease, as either homozygous or compound heterozygous with a second variant (PMID: 30311141). Given the available evidence, this variant is classified as Pathogenic.

Myriad Genetics, Inc.
Classification: Pathogenic for Glycogen storage disease, type IV. Last evaluated: 2024-05-06. Review status: criteria provided, single submitter. Criteria: Myriad Autosomal Dominant, Autosomal Recessive and X-Linked Classification Criteria (2023). Collection method: clinical testing. Allele origin: unknown.
Comment: NM_000158.3(GBE1):c.1468delC(L490Wfs*5) is expected to be pathogenic in the context of glycogen storage disease, GBE1-related. This variant is predicted to lead to an abnormal or absent protein product due to the creation of a premature termination codon in GBE1, a gene where loss-of-function variants are known to be pathogenic. Please note: this variant was assessed in the context of healthy population screening.

Baylor Genetics
Classification: Pathogenic for Glycogen storage disease, type IV. Last evaluated: 2024-03-19. Review status: criteria provided, single submitter. Criteria: ACMG Guidelines, 2015. Collection method: clinical testing. Allele origin: unknown.

Revvity Omics, Revvity
Classification: Pathogenic. Last evaluated: 2023-11-17. Review status: criteria provided, single submitter. Criteria: ACMG Guidelines, 2015. Collection method: clinical testing. Allele origin: germline.

GeneDx
Classification: Pathogenic. Last evaluated: 2022-10-06. Review status: criteria provided, single submitter. Criteria: GeneDx Variant Classification Process June 2021. Collection method: clinical testing. Allele origin: germline. Affected: yes.
Comment: Frameshift variant predicted to result in protein truncation or nonsense mediated decay in a gene for which loss-of-function is a known mechanism of disease; This variant is associated with the following publications: (PMID: 15019703, 30311141)

Broad Center for Mendelian Genomics, Broad Institute of MIT and Harvard
Classification: Likely pathogenic for Glycogen storage disease, type IV. Last evaluated: 2022-01-27. Review status: criteria provided, single submitter. Criteria: ACMG Guidelines, 2015. Collection method: curation. Allele origin: germline. Inheritance: Autosomal recessive inheritance.
Comment: The p.Leu490fs variant in GBE1 has been reported in 3 individuals with glycogen storage disease type IV (GSD IV) and has been identified in 0.08% (26/32980) of Latino/Admixed American chromosomes by the Genome Aggregation Database (gnomAD; dbSNP ID: rs774465102). Although this variant has been seen in the general population in a heterozygous state, its frequency is not high enough to rule out a pathogenic role. This variant has also been reported in ClinVar (Variation ID#: 449406) and has been interpreted as pathogenic by Invitae, GeneDx, and Natera. Of the 3 affected individuals, 2 were compound heterozygotes that carried reported pathogenic/likely pathogenic variants in trans and with unknown phase, which increases the likelihood that the p.Leu490fs variant is pathogenic (VariationID: 452861, 346785; PMID: 30311141, 15520786). This variant is predicted to cause a frameshift, which alters the protein’s amino acid sequence beginning at position 490 and leads to a premature termination codon 5 amino acids downstream. This alteration is then predicted to lead to a truncated or absent protein. Loss of function of the GBE1 gene is an established disease mechanism in autosomal recessive GSD IV. In summary, although additional studies are required to fully establish its clinical significance, this variant is likely pathogenic for autosomal recessive GSD IV. ACMG/AMP Criteria applied: PVS1, PM3 (Richards 2015).

Literature cited by the submitters: PubMed 15452297 (cited by Labcorp Genetics (formerly Invitae), Labcorp); PubMed 20058079 (cited by Labcorp Genetics (formerly Invitae), Labcorp); PubMed 15019703 (cited by Labcorp Genetics (formerly Invitae), Labcorp); PubMed 15520786 (cited by Labcorp Genetics (formerly Invitae), Labcorp); PubMed 30311141 (cited by Labcorp Genetics (formerly Invitae), Labcorp and Natera, Inc.).

NM_000158.4(GBE1):c.1468del (p.Leu490fs)

Gene: GBE1 (1,4-alpha-glucan branching enzyme 1; minus strand). Cytogenetic location: 3p12.2.
Variant type: Deletion.
Coding change: c.1468del on transcript NM_000158.4 (MANE Select); coding-DNA position 1468, one base deleted (C; older notation c.1468delC).
Protein change: p.Leu490fs; shifts the reading frame from leucine 490.
Molecular consequence: frameshift variant.
Genome position (GRCh38, 1-based): chr3:81,578,075, G deleted on the plus strand (C on the coding strand, the reverse complement: GBE1 is on the minus strand). VCF-style (leftmost placement, unchanged base first): chr3-81578074-AG-A. GRCh37 (hg19) VCF-style: chr3-81627225-AG-A.
Other names: NM_000158.4(GBE1):c.1468del; p.Leu490fs; c.1468delC (NM_000158.4); c.1468del (NM_000158.3); short protein forms L490fs.
Identifiers: ClinVar variation 449406 (VCV000449406.23), dbSNP rs774465102, ClinGen allele CA2499641.